The following is an entry in ClinVar:

ClinVar aggregate classification (germline): Uncertain significance. Review status: criteria provided, multiple submitters, no conflicts (2 of 4 stars). 3 submissions from 3 submitters: Uncertain significance (3). Last evaluated 2025-11-22.

Conditions:
Inborn genetic diseases. Identifiers: MedGen C0950123, MeSH D030342.
Intellectual developmental disorder, X-linked, syndromic 14. Also called: Syndromic X-linked intellectual disability 14. Identifiers: Orphanet 776, MedGen C1970822, MONDO:0010398, OMIM 300676.

Allele frequency attached by ClinVar (database versions not stated): gnomAD 0.00001; gnomAD exomes 0.00001 and 0.00002; ExAC 0.00001; TOPMed 0.00002.
gnomAD v4.1: 24 of 1,210,645 alleles (0.002%); highest among the groups gnomAD compares: Non-Finnish European, 0.0026%; no homozygotes.

Submissions (3):

Labcorp Genetics (formerly Invitae), Labcorp
Classification: Uncertain significance for Intellectual developmental disorder, X-linked, syndromic 14. Last evaluated: 2025-11-22. Review status: criteria provided, single submitter. Criteria: Invitae Variant Classification Sherloc (09022015). Collection method: clinical testing. Allele origin: germline.
Comment: This sequence change replaces threonine, which is neutral and polar, with proline, which is neutral and non-polar, at codon 18 of the UPF3B protein (p.Thr18Pro). This variant is present in population databases (rs748622995, gnomAD 0.003%), including at least one homozygous and/or hemizygous individual. This variant has not been reported in the literature in individuals affected with UPF3B-related conditions. ClinVar contains an entry for this variant (Variation ID: 287042). An algorithm developed to predict the effect of missense changes on protein structure and function (PolyPhen-2) suggests that this variant is likely to be tolerated. In summary, the available evidence is currently insufficient to determine the role of this variant in disease. Therefore, it has been classified as a Variant of Uncertain Significance.

Ambry Genetics
Classification: Uncertain significance for Inborn genetic diseases. Last evaluated: 2018-12-20. Review status: criteria provided, single submitter. Criteria: Ambry Variant Classification Scheme 2023. Collection method: clinical testing. Allele origin: germline.
Comment: The p.T18P variant (also known as c.52A>C), located in coding exon 1 of the UPF3B gene, results from an A to C substitution at nucleotide position 52. The threonine at codon 18 is replaced by proline, an amino acid with highly similar properties. This amino acid position is highly conserved in available vertebrate species. In addition, this alteration is predicted to be tolerated by in silico analysis. Since supporting evidence is limited at this time, the clinical significance of this alteration remains unclear.

Eurofins Ntd Llc (ga)
Classification: Uncertain significance. Last evaluated: 2016-04-05. Review status: criteria provided, single submitter. Criteria: EGL Classification Definitions 2015. Collection method: clinical testing. Allele origin: germline. Observed: 1 variant allele, 1 hemizygote.

NM_080632.3(UPF3B):c.52A>C (p.Thr18Pro)

Gene: UPF3B (UPF3B regulator of nonsense mediated mRNA decay; minus strand). Cytogenetic location: Xq24.
Variant type: single nucleotide variant.
Coding change: c.52A>C on transcript NM_080632.3 (MANE Select); coding-DNA position 52, A replaced by C.
Protein change: p.Thr18Pro; replaces threonine 18 with proline.
Molecular consequence: missense variant.
Genome position (GRCh38, 1-based): chrX:119,852,877, T>G on the plus strand (A>C on the coding strand, the complement: UPF3B is on the minus strand). VCF-style: chrX-119852877-T-G. GRCh37 (hg19) VCF-style: chrX-118986840-T-G.
Other names: c.52A>C, p.Thr18Pro (NM_023010.4); short protein forms T18P.
Identifiers: ClinVar variation 287042 (VCV000287042.12), dbSNP rs748622995, ClinGen allele CA10503390.
Genomic context (GRCh38, chrX:119,852,877, plus strand): 5'-CTTCCCCCTTGGAGCTGTCCCCCGAGGTCCCACCACCGCTGCCTGTGGCCCCGGCGGGGG[T>G]TAACAGGGTTACTCGCTTCTCCTTAGGCCTGTGCTCCTTCTCTTCCTTCATGGCTACGTC-3'
Protein context (NP_542199.1, residues 8-28): RPKEKRVTLL[Thr18Pro]PAGATGSGGG